The following is an entry in ClinVar:

ClinVar aggregate classification (germline): Pathogenic/Likely pathogenic. Review status: criteria provided, multiple submitters, no conflicts (2 of 4 stars). 16 submissions from 16 submitters: Pathogenic (2); Likely pathogenic (14). Last evaluated 2026-08-02.

Conditions:
Cardiovascular phenotype. Identifiers: MedGen CN230736.
Myopathy, myosin storage, autosomal recessive (CMYO7B). Also called: CONGENITAL MYOPATHY 7B, MYOSIN STORAGE, AUTOSOMAL RECESSIVE. Identifiers: Orphanet 636970, MedGen C1850709, MONDO:0009708, OMIM 255160.
Hypertrophic cardiomyopathy 1 (CMH1). Also called: Familial hypertrophic cardiomyopathy 1; MYH7-Related Familial Hypertrophic Cardiomyopathy. Identifiers: MedGen C3495498, MONDO:0008647, OMIM 192600.
Myosin storage myopathy (CMYO7A). Also called: Scapuloperoneal myopathy, MYH7-related; MYOPATHY WITH LYSIS OF TYPE I MYOFIBRILS; SCAPULOPERONEAL MUSCULAR DYSTROPHY; SCAPULOPERONEAL SYNDROME, MYOPATHIC TYPE; MYH7-related late-onset scapuloperoneal muscular dystrophy; Congenital myopathy 7A, myosin storage, autosomal dominant. Identifiers: Orphanet 437572, Orphanet 636965, MedGen C1842160, MONDO:0008409, OMIM 608358.
Dilated cardiomyopathy 1S (CMD1S). Identifiers: Orphanet 154, Orphanet 54260, MedGen C1834481, MONDO:0013262, OMIM 613426.
Congenital myopathy with fiber type disproportion. Also called: Congenital fiber-type disproportion; Congenital fiber-type disproportion myopathy. Identifiers: Orphanet 2020, MedGen C0546264, MONDO:0009711. Inheritance: all.
MYH7-related skeletal myopathy. Also called: Myopathy, distal, 1; MYOPATHY, DISTAL, EARLY-ONSET, AUTOSOMAL DOMINANT; MYOPATHY, LATE DISTAL HEREDITARY; Laing distal myopathy; Laing early-onset distal myopathy. Identifiers: Orphanet 59135, MedGen C4552004, MONDO:0008050, OMIM 160500.
Cardiomyopathy (CMYO). Also called: Cardiomyopathies. Identifiers: Orphanet 167848, MedGen C0878544, MONDO:0004994, HP:0001638. Inheritance: Various modes of inheritance.
Hypertrophic cardiomyopathy. Also called: HYPERTROPHIC MYOCARDIOPATHY. Identifiers: Orphanet 217569, MedGen C0007194, MeSH D002312, MONDO:0005045, HP:0001639.

Allele frequency attached by ClinVar (database versions not stated): ExAC 0.00001; gnomAD 0.00002; gnomAD exomes 0.00002; TOPMed 0.00003.
gnomAD v4.1: 34 of 1,613,990 alleles (0.0021%); highest among the groups gnomAD compares: Non-Finnish European, 0.0027%; no homozygotes.

Submissions 1 to 7 of 16:

GeneDx
Classification: Likely pathogenic. Last evaluated: 2026-08-02. Review status: criteria provided, single submitter. Criteria: GeneDx Variant Classification Process June 2021. Collection method: clinical testing. Allele origin: germline.
Comment: Not observed at significant frequency in large population cohorts (gnomAD); In silico analysis supports that this missense variant has a deleterious effect on protein structure/function; This variant is associated with the following publications: (PMID: 24111713, 27532257, 25611685, 15856146, 22958901, 20646679, 27247418, 28615295, 24835277, 23408646, 28606303, 28408708, 24033266, 27476098, 30645170, 30868567, 30847666, 31447099, 33065066, 32894683, 33673806, 34542152, 34495297, 36243179, 36264615, 37652022, 19666645, 35653365, 36136372, 39486665, 30297972, 39096151, 33764162, 41489172, 36578016, 24714796, 30275503, 29300372, 29661763)

Labcorp Genetics (formerly Invitae), Labcorp
Classification: Pathogenic for Hypertrophic cardiomyopathy. Last evaluated: 2025-11-24. Review status: criteria provided, single submitter. Criteria: Invitae Variant Classification Sherloc (09022015). Collection method: clinical testing. Allele origin: germline.
Comment: This sequence change replaces histidine, which is basic and polar, with arginine, which is basic and polar, at codon 576 of the MYH7 protein (p.His576Arg). This variant is present in population databases (rs727504238, gnomAD 0.004%). This missense change has been observed in individuals with hypertrophic cardiomyopathy (PMID: 15856146, 19666645, 20646679, 24111713, 27247418, 27532257, 28615295, 30847666, 30868567, 32894683, 33673806; internal data). ClinVar contains an entry for this variant (Variation ID: 177625). Invitae Evidence Modeling of protein sequence and biophysical properties (such as structural, functional, and spatial information, amino acid conservation, physicochemical variation, residue mobility, and thermodynamic stability) indicates that this missense variant is expected to disrupt MYH7 protein function with a positive predictive value of 95%. For these reasons, this variant has been classified as Pathogenic.

Color Diagnostics, LLC DBA Color Health
Classification: Likely pathogenic for Cardiomyopathy. Last evaluated: 2025-08-20. Review status: criteria provided, single submitter. Criteria: ACMG Guidelines, 2015. Collection method: clinical testing. Allele origin: germline.
Comment: This missense variant replaces histidine with arginine at codon 576 of the MYH7 protein. Computational prediction suggests that this variant may have a deleterious impact on protein structure and function. This variant is located within a highly conserved region of the myosin head domain. Missense variants in this region have been shown to be significantly overrepresented in individuals with hypertrophic cardiomyopathy (PMID: 27532257). To our knowledge, functional studies have not been reported for this variant. This variant has been reported in more than 10 individuals affected with hypertrophic cardiomyopathy (PMID: 15856146, 19666645, 20646679, 24111713, 27247418, 27532257, 2840870, 28615295, 30847666, 33673806, 34542152van der Werf 2010, dissertation, University of Virginia), and in an individual affected with an unspecified cardiomyopathy (PMID: 33764162). This variant has been identified in 5/282858 chromosomes in the general population by the Genome Aggregation Database (gnomAD). Based on the available evidence, this variant is classified as Likely Pathogenic.

Greenwood Genetic Center Diagnostic Laboratories, Greenwood Genetic Center
Classification: Pathogenic for Hypertrophic cardiomyopathy 1. Last evaluated: 2025-04-10. Review status: criteria provided, single submitter. Criteria: ACMG Guidelines, 2015. Collection method: clinical testing. Allele origin: germline.
Comment: PS4_Moderate, PM1, PM2, PP2, PP3

Clinical Genetics Laboratory, University Hospital Schleswig-Holstein
Classification: Likely pathogenic for Hypertrophic cardiomyopathy 1. Last evaluated: 2025-02-18. Review status: criteria provided, single submitter. Criteria: ACMG Guidelines, 2015. Collection method: clinical testing. Allele origin: germline. Affected: yes. Observed: 1 heterozygote.
Comment: ACMG criteria applied: PM2, PS4, PP3, PM1

Ambry Genetics
Classification: Likely pathogenic for Cardiovascular phenotype. Last evaluated: 2024-12-24. Review status: criteria provided, single submitter. Criteria: Ambry Variant Classification Scheme 2023. Collection method: clinical testing. Allele origin: germline.
Comment: The p.H576R variant (also known as c.1727A>G), located in coding exon 14 of the MYH7 gene, results from an A to G substitution at nucleotide position 1727. The histidine at codon 576 is replaced by arginine, an amino acid with highly similar properties. This alteration is located in the myosin head domain, which contains a statistically significant clustering of pathogenic missense variants (Homburger JR et al. Proc Natl Acad Sci U S A, 2016 06;113:6701-6; Walsh R et al. Genet Med, 2017 02;19:192-203; Ambry internal data). This variant was reported in individual(s) with features consistent with hypertrophic cardiomyopathy (Perrot A et al. J. Mol. Med., 2005 Jun;83:468-77; Michels M et al. Eur. Heart J., 2009 Nov;30:2593-8; van der Werf C et al. Heart Rhythm, 2010 Oct;7:1383-9; Berge KE et al. Clin. Genet., 2014 Oct;86:355-60; Walsh R et al. Genet. Med., 2017 02;19:192-203). This amino acid position is highly conserved in available vertebrate species. In addition, this alteration is predicted to be deleterious by in silico analysis. Based on the majority of available evidence to date, this variant is likely to be pathogenic.

All of Us Research Program, National Institutes of Health
Classification: Likely pathogenic for Hypertrophic cardiomyopathy. Last evaluated: 2024-06-09. Review status: criteria provided, single submitter. Criteria: ACMG Guidelines, 2015. Collection method: clinical testing. Allele origin: germline. Inheritance: Autosomal dominant inheritance. Observed: 4 variant alleles, 4 heterozygotes.
Comment: This missense variant replaces histidine with arginine at codon 576 of the MYH7 protein. Computational prediction suggests that this variant may have a deleterious impact on protein structure and function (internally defined REVEL score threshold >= 0.7, PMID: 27666373). This variant is found within a highly conserved region of the myosin head domain. Missense variants in this region have been shown to be significantly overrepresented in individuals with hypertrophic cardiomyopathy (PMID: 27532257). To our knowledge, functional studies have not been reported for this variant. This variant has been reported in more than 10 individuals affected with hypertrophic cardiomyopathy (PMID: 15856146, 19666645, 20646679, 24111713, 27247418, 27532257, 2840870, 28615295, 30847666, 33673806, 34542152; van der Werf 2010, dissertation, University of Virginia), and in an individual affected with an unspecified cardiomyopathy (PMID: 33764162). This variant has been identified in 5/282858 chromosomes in the general population by the Genome Aggregation Database (gnomAD). Based on the available evidence, this variant is classified as Likely Pathogenic.

This study involves interpretation of variants in research participants for the purpose of population health screening. Participant phenotype was not available at the time of variant classification. Additional details can be found in publication PMID: 35346344, PMCID: PMC8962531

NM_000257.4(MYH7):c.1727A>G (p.His576Arg)

Gene: MYH7 (myosin heavy chain 7; minus strand). Cytogenetic location: 14q11.2.
Variant type: single nucleotide variant.
Coding change: c.1727A>G on transcript NM_000257.4 (MANE Select); coding-DNA position 1727, A replaced by G.
Protein change: p.His576Arg; replaces histidine 576 with arginine.
Molecular consequence: missense variant.
Genome position (GRCh38, 1-based): chr14:23,427,746, T>C on the plus strand (A>G on the coding strand, the complement: MYH7 is on the minus strand). VCF-style: chr14-23427746-T-C. GRCh37 (hg19) VCF-style: chr14-23896955-T-C.
Other names: short protein forms H576R.
Identifiers: ClinVar variation 177625 (VCV000177625.44), dbSNP rs727504238, ClinGen allele CA011163.